The following is an entry in ClinVar:

ClinVar aggregate classification (germline): Uncertain significance. Review status: criteria provided, multiple submitters, no conflicts (2 of 4 stars). 2 submissions from 2 submitters: Uncertain significance (2). Last evaluated 2024-12-05.

Conditions:
Combined immunodeficiency due to LRBA deficiency. Also called: Common variable immunodeficiency 8, with autoimmunity. Identifiers: Orphanet 445018, MedGen C3553512, MONDO:0013863, OMIM 614700.
Inborn genetic diseases. Identifiers: MedGen C0950123, MeSH D030342.

Allele frequency attached by ClinVar (database versions not stated): TOPMed 0.00002; gnomAD exomes 0.00003 and 0.00001; ExAC 0.00005; 1000 Genomes Project 30x 0.00016; 1000 Genomes Project 0.00020; gnomAD 0.00002 and 0.00001.

Submissions (2):

Ambry Genetics
Classification: Uncertain significance for Inborn genetic diseases. Last evaluated: 2024-12-05. Review status: criteria provided, single submitter. Criteria: Ambry Variant Classification Scheme 2023. Collection method: clinical testing. Allele origin: germline.

Labcorp Genetics (formerly Invitae), Labcorp
Classification: Uncertain significance for Combined immunodeficiency due to LRBA deficiency. Last evaluated: 2022-05-19. Review status: criteria provided, single submitter. Criteria: Invitae Variant Classification Sherloc (09022015). Collection method: clinical testing. Allele origin: germline.
Comment: This sequence change replaces methionine, which is neutral and non-polar, with threonine, which is neutral and polar, at codon 1332 of the LRBA protein (p.Met1332Thr). This variant is present in population databases (rs570345199, gnomAD 0.05%). This variant has not been reported in the literature in individuals affected with LRBA-related conditions. ClinVar contains an entry for this variant (Variation ID: 473177). Algorithms developed to predict the effect of missense changes on protein structure and function are either unavailable or do not agree on the potential impact of this missense change (SIFT: "Tolerated"; PolyPhen-2: "Probably Damaging"; Align-GVGD: "Class C0"). In summary, the available evidence is currently insufficient to determine the role of this variant in disease. Therefore, it has been classified as a Variant of Uncertain Significance.

NM_001364905.1(LRBA):c.3995T>C (p.Met1332Thr)

Gene: LRBA (LPS responsive beige-like anchor protein; minus strand). Cytogenetic location: 4q31.3.
Variant type: single nucleotide variant.
Coding change: c.3995T>C on transcript NM_001364905.1 (MANE Select); coding-DNA position 3995, T replaced by C.
Protein change: p.Met1332Thr; replaces methionine 1332 with threonine.
Molecular consequence: missense variant.
Genome position (GRCh38, 1-based): chr4:150,850,733, A>G on the plus strand (T>C on the coding strand, the complement: LRBA is on the minus strand). VCF-style: chr4-150850733-A-G. GRCh37 (hg19) VCF-style: chr4-151771885-A-G.
Other names: c.3995T>C, p.Met1332Thr (NM_001199282.3, NM_001367550.1, NM_006726.5); short protein forms M1332T.
Identifiers: ClinVar variation 473177 (VCV000473177.7), dbSNP rs570345199, ClinGen allele CA3102936.